The following is an entry in ClinVar:

ClinVar aggregate classification (germline): Benign/Likely benign. Review status: criteria provided, multiple submitters, no conflicts (2 of 4 stars). 2 submissions from 2 submitters: Benign (1); Likely benign (1). Last evaluated 2026-01-10.

Allele frequency attached by ClinVar (database versions not stated): gnomAD exomes 0.00001 and 0.00009; TOPMed 0.00003; gnomAD 0.00004; ExAC 0.00015; 1000 Genomes Project 30x 0.00031; 1000 Genomes Project 0.00040.
gnomAD v4.1: 25 of 1,519,968 alleles (0.0016%); highest among the groups gnomAD compares: East Asian, 0.047%; no homozygotes.

Submissions (2):

Labcorp Genetics (formerly Invitae), Labcorp
Classification: Likely benign. Last evaluated: 2026-01-10. Review status: criteria provided, single submitter. Criteria: Invitae Variant Classification Sherloc (09022015). Collection method: clinical testing. Allele origin: germline.

Women's Health and Genetics/Laboratory Corporation of America, LabCorp
Classification: Benign. Last evaluated: 2022-04-25. Review status: criteria provided, single submitter. Criteria: LabCorp Variant Classification Summary - May 2015. Collection method: clinical testing. Allele origin: germline.
Comment: Variant summary: LZTR1 c.1260+16G>A alters a non-conserved nucleotide located close to a canonical splice site and therefore could affect mRNA splicing, leading to a significantly altered protein sequence. 4/4 computational tools predict no significant impact on normal splicing. However, these predictions have yet to be confirmed by functional studies. The variant allele was found at a frequency of 9.1e-05 in 186114 control chromosomes (gnomAD v2.1, exomes dataset), predominantly within the East Asian subpopulation at a frequency of 0.0012. The observed variant frequency within East Asian control individuals in the gnomAD database is approximately 240 fold of the estimated maximal expected allele frequency for a pathogenic variant in LZTR1 causing Noonan Syndrome phenotype (5e-06), strongly suggesting that the variant is a benign polymorphism found primarily in populations of East Asian origin. To our knowledge, no occurrence of c.1260+16G>A in individuals affected with Noonan Syndrome and no experimental evidence demonstrating its impact on protein function have been reported. One clinical diagnostic laboratory has submitted clinical-significance assessments for this variant to ClinVar after 2014 without evidence for independent evaluation, and classified the variant as likely benign. Based on the evidence outlined above, the variant was classified as benign.

NM_006767.4(LZTR1):c.1260+16G>A

Gene: LZTR1 (leucine zipper like post translational regulator 1; plus strand). Cytogenetic location: 22q11.21.
Variant type: single nucleotide variant.
Coding change: c.1260+16G>A on transcript NM_006767.4 (MANE Select); 16 bases into the intron after coding-DNA position 1260, G replaced by A.
Molecular consequence: intron variant.
Genome position (GRCh38, 1-based): chr22:20,992,920, G>A. VCF-style: chr22-20992920-G-A. GRCh37 (hg19) VCF-style: chr22-21347209-G-A.
Identifiers: ClinVar variation 1629968 (VCV001629968.9), dbSNP rs376876059, ClinGen allele CA10118776.